The following is an entry in ClinVar:

NM_000222.3(KIT):c.1752T>C (p.Phe584=)

Gene: KIT (KIT proto-oncogene, receptor tyrosine kinase; plus strand). Cytogenetic location: 4q12.
Variant type: single nucleotide variant.
Coding change: c.1752T>C on transcript NM_000222.3 (MANE Select); coding-DNA position 1752, T replaced by C.
Protein change: p.Phe584=; no amino-acid change (phenylalanine 584 retained).
Molecular consequence: synonymous variant.
Genome position (GRCh38, 1-based): chr4:54,727,520, T>C. VCF-style: chr4-54727520-T-C. GRCh37 (hg19) VCF-style: chr4-55593686-T-C.
Other names: c.1740T>C, p.Phe580= (NM_001093772.2, NM_001385286.1); c.1755T>C, p.Phe585= (NM_001385284.1, NM_001385290.1); c.1752T>C, p.Phe584= (NM_001385285.1); c.1743T>C, p.Phe581= (NM_001385288.1, NM_001385292.1).
Identifiers: ClinVar variation 797010 (VCV000797010.13), dbSNP rs794726671, ClinGen allele CA439291280.

ClinVar aggregate classification (germline): Benign/Likely benign. Review status: criteria provided, multiple submitters, no conflicts (2 of 4 stars). 3 submissions from 3 submitters: Benign (1); Likely benign (2). Last evaluated 2026-06-04.

Conditions:
Gastrointestinal stromal tumor. Also called: Gastrointestinal stromal tumor, somatic; Gastrointestinal stroma tumor. Identifiers: Orphanet 44890, MedGen C0238198, MeSH D046152, MONDO:0011719, OMIM 606764, HP:0100723.
Hereditary cancer-predisposing syndrome. Also called: Neoplastic Syndromes, Hereditary; Hereditary Cancer Syndrome; Hereditary neoplastic syndrome; Tumor predisposition. Identifiers: Orphanet 140162, MedGen C0027672, MeSH D009386, MONDO:0015356.

Submissions (3):

Myriad Genetics, Inc.
Classification: Benign for Gastrointestinal stromal tumor. Last evaluated: 2026-06-04. Review status: criteria provided, single submitter. Criteria: Myriad Autosomal Dominant, Autosomal Recessive and X-Linked Classification Criteria (2023). Collection method: clinical testing. Allele origin: unknown.
Comment: This variant is considered benign. This variant is a silent/synonymous amino acid change and it is not expected to impact splicing.

Ambry Genetics
Classification: Likely benign for Hereditary cancer-predisposing syndrome. Last evaluated: 2024-04-04. Review status: criteria provided, single submitter. Criteria: Ambry Variant Classification Scheme 2023. Collection method: clinical testing. Allele origin: germline.

Labcorp Genetics (formerly Invitae), Labcorp
Classification: Likely benign for Gastrointestinal stromal tumor. Last evaluated: 2023-08-03. Review status: criteria provided, single submitter. Criteria: Invitae Variant Classification Sherloc (09022015). Collection method: clinical testing. Allele origin: germline.